The following is an entry in ClinVar:

NM_020911.2(PLXNA4):c.1637A>T (p.Lys546Met)

Gene: PLXNA4 (plexin A4; minus strand). Cytogenetic location: 7q32.3.
Variant type: single nucleotide variant.
Coding change: c.1637A>T on transcript NM_020911.2 (MANE Select); coding-DNA position 1637, A replaced by T.
Protein change: p.Lys546Met; replaces lysine 546 with methionine.
Molecular consequence: missense variant.
Genome position (GRCh38, 1-based): chr7:132,228,437, T>A on the plus strand (A>T on the coding strand, the complement: PLXNA4 is on the minus strand). VCF-style: chr7-132228437-T-A. GRCh37 (hg19) VCF-style: chr7-131913196-T-A.
Other names: c.1637A>T, p.Lys546Met (NM_001393897.1); short protein forms K546M.
Identifiers: ClinVar variation 5001966 (VCV005001966.1).
Genomic context (GRCh38, chr7:132,228,437, plus strand): 5'-TTGGGATGGACCGTCAGCCGGACACACTGCTTCATCTCCGAGGCAAACCTGCGGGGCTCC[T>A]TGGACCGCTCACACCGCTCCTTCCGGGTGCAACTGGGAAGGACATACCCTCGAGTTACTC-3'
Protein context (NP_065962.1, residues 536-556): CTRKERCERS[Lys546Met]EPRRFASEMK

ClinVar aggregate classification (germline): Uncertain significance (1 of 4 stars; one submission).

Conditions:
PLXNA4-related disorder. Also called: PLXNA4-related condition.

Submission:

PreventionGenetics, part of Exact Sciences
Classification: Uncertain significance for PLXNA4-related condition. Last evaluated: 2025-07-09. Review status: criteria provided, single submitter. Criteria: ACMG Guidelines, 2015. Collection method: clinical testing. Allele origin: germline.
Comment: The PLXNA4 c.1637A>T variant is predicted to result in the amino acid substitution p.Lys546Met. To our knowledge, this variant has not been reported in the literature or in a large population database (gnomAD), indicating this variant is rare. At this time, the clinical significance of this variant is uncertain due to the absence of conclusive functional and genetic evidence.